The following is an entry in ClinVar:

NM_004360.5(CDH1):c.1441A>C (p.Asn481His)

Gene: CDH1 (cadherin 1; plus strand). Cytogenetic location: 16q22.1.
Variant type: single nucleotide variant.
Coding change: c.1441A>C on transcript NM_004360.5 (MANE Select); coding-DNA position 1441, A replaced by C.
Protein change: p.Asn481His; replaces asparagine 481 with histidine.
Molecular consequence: missense variant. On other transcripts: 5 prime UTR variant (2).
Genome position (GRCh38, 1-based): chr16:68,815,635, A>C. VCF-style: chr16-68815635-A-C. GRCh37 (hg19) VCF-style: chr16-68849538-A-C.
Other names: c.1258A>C, p.Asn420His (NM_001317184.2); c.-108A>C (NM_001317185.2); c.-379A>C (NM_001317186.2); short protein forms N481H, N420H.
Identifiers: ClinVar variation 491496 (VCV000491496.6), dbSNP rs1555516133, ClinGen allele CA396463029.

ClinVar aggregate classification (germline): Uncertain significance (1 of 4 stars; one submission).

Conditions:
Hereditary cancer-predisposing syndrome. Also called: Hereditary neoplastic syndrome; Tumor predisposition; Hereditary Cancer Syndrome; Neoplastic Syndromes, Hereditary. Identifiers: Orphanet 140162, MedGen C0027672, MeSH D009386, MONDO:0015356.

Submission:

Color Diagnostics, LLC DBA Color Health
Classification: Uncertain significance for Hereditary cancer-predisposing syndrome. Last evaluated: 2023-12-05. Review status: criteria provided, single submitter. Criteria: ACMG Guidelines, 2015. Collection method: clinical testing. Allele origin: germline.
Comment: This missense variant replaces asparagine with histidine at codon 481 of the CDH1 protein. To our knowledge, functional studies have not been reported for this variant. This variant has not been reported in individuals affected with CDH1-related disorders in the literature. This variant has not been identified in the general population by the Genome Aggregation Database (gnomAD). The available evidence is insufficient to determine the role of this variant in disease conclusively. Therefore, this variant is classified as a Variant of Uncertain Significance.